The following is an entry in ClinVar:

ClinVar aggregate classification (germline): Benign. Review status: criteria provided, single submitter (1 of 4 stars). 2 submissions from 2 submitters: Benign (1). 1 of the submissions does not count toward it. Last evaluated 2025-12-24.

Conditions:
RPL35-related disorder. Also called: RPL35-related condition.

Allele frequency attached by ClinVar (database versions not stated): gnomAD exomes 0.00028; ESP Exome Variant Server 0.00169; 1000 Genomes Project 0.00180; TOPMed 0.00197; ExAC 0.00079; gnomAD 0.00162; 1000 Genomes Project 30x 0.00219.
gnomAD v4.1: 673 of 1,612,252 alleles (0.042%); highest among the groups gnomAD compares: African/African-American, 0.54%; 6 homozygotes.

Submissions (2):

Labcorp Genetics (formerly Invitae), Labcorp
Classification: Benign. Last evaluated: 2025-12-24. Review status: criteria provided, single submitter. Criteria: Invitae Variant Classification Sherloc (09022015). Collection method: clinical testing. Allele origin: germline.

PreventionGenetics, part of Exact Sciences
Classification: Likely benign for RPL35-related condition. Last evaluated: 2024-02-22. Review status: no assertion criteria provided. Collection method: clinical testing. Allele origin: germline. Not counted in ClinVar's aggregate classification.
Comment: This variant is classified as likely benign based on ACMG/AMP sequence variant interpretation guidelines (Richards et al. 2015 PMID: 25741868, with internal and published modifications).

NM_007209.4(RPL35):c.357C>T (p.Tyr119=)

Gene: RPL35 (ribosomal protein L35; minus strand). Cytogenetic location: 9q33.3.
Variant type: single nucleotide variant.
Coding change: c.357C>T on transcript NM_007209.4 (MANE Select); coding-DNA position 357, C replaced by T.
Protein change: p.Tyr119=; no amino-acid change (tyrosine 119 retained).
Molecular consequence: synonymous variant.
Genome position (GRCh38, 1-based): chr9:124,857,933, G>A on the plus strand (C>T on the coding strand, the complement: RPL35 is on the minus strand). VCF-style: chr9-124857933-G-A. GRCh37 (hg19) VCF-style: chr9-127620212-G-A.
Other names: c.357C>T (NM_007209.3).
Identifiers: ClinVar variation 2063645 (VCV002063645.6), dbSNP rs137924808, ClinGen allele CA5237167.
Genomic context (GRCh38, chr9:124,857,933, plus strand): 5'-AACAAAGCAGTCTCAGCCAGCTGTGCTTTATTGACAATGCGCCCCTCAGGCCTTGACCGC[G>A]TACTTCCGCAGCGGGTACAGCCGCTCCTTCCGCTGCTGCTTCTTGGTCTTCAGGTTCTCC-3'
Protein context (NP_009140.1, residues 109-123): RKERLYPLRK[Tyr119=]AVKA